The following is an entry in ClinVar:

ClinVar aggregate classification (germline): Pathogenic. Review status: criteria provided, single submitter (1 of 4 stars). 2 submissions from 2 submitters: Pathogenic (1). 1 of the submissions does not count toward it. Last evaluated 2021-11-14.

Conditions:
PURA-related severe neonatal hypotonia-seizures-encephalopathy syndrome (NEDRIHF). Also called: NEURODEVELOPMENTAL DISORDER WITH NEONATAL RESPIRATORY INSUFFICIENCY, HYPOTONIA, AND FEEDING DIFFICULTIES; PURA-Related Neurodevelopmental Disorders. Identifiers: Orphanet 438213, Orphanet 438216, MedGen C4015357, MONDO:1060108, OMIM 616158, MONDO:0018580.

Submissions (2):

Labcorp Genetics (formerly Invitae), Labcorp
Classification: Pathogenic for PURA-related severe neonatal hypotonia-seizures-encephalopathy syndrome. Last evaluated: 2021-11-14. Review status: criteria provided, single submitter. Criteria: Invitae Variant Classification Sherloc (09022015). Collection method: clinical testing. Allele origin: germline.
Comment: This sequence change creates a premature translational stop signal (p.Lys154Glnfs*47) in the PURA gene. While this is not anticipated to result in nonsense mediated decay, it is expected to disrupt the last 169 amino acid(s) of the PURA protein. This variant is not present in population databases (gnomAD no frequency). This variant has not been reported in the literature in individuals affected with PURA-related conditions. ClinVar contains an entry for this variant (Variation ID: 975766). This variant disrupts a region of the PURA protein in which other variant(s) (p.Gln163*) have been determined to be pathogenic (Invitae). This suggests that this is a clinically significant region of the protein, and that variants that disrupt it are likely to be disease-causing. For these reasons, this variant has been classified as Pathogenic.

Centre de Biologie Pathologie Génétique, Centre Hospitalier Universitaire de Lille
Classification: Pathogenic for PURA-related severe neonatal hypotonia-seizures-encephalopathy syndrome. Last evaluated: 2019-01-01. Review status: no assertion criteria provided. Collection method: clinical testing. Allele origin: de novo. Affected: yes. Not counted in ClinVar's aggregate classification.

NM_005859.5(PURA):c.459dup (p.Lys154fs)

Gene: PURA (purine rich element binding protein A; plus strand). Cytogenetic location: 5q31.3.
Variant type: Duplication.
Coding change: c.459dup on transcript NM_005859.5 (MANE Select); coding-DNA position 459, one base duplicated (C; older notation c.459dupC).
Protein change: p.Lys154fs; shifts the reading frame from lysine 154.
Molecular consequence: frameshift variant.
Genome position (GRCh38, 1-based): chr5:140,114,640, C duplicated. VCF-style (leftmost placement, unchanged base first): chr5-140114639-G-GC. GRCh37 (hg19) VCF-style: chr5-139494224-G-GC.
Other names: short protein forms K154fs.
Identifiers: ClinVar variation 975766 (VCV000975766.7), dbSNP rs1763047286, ClinGen allele CA1139659100.